The following is an entry in ClinVar:

ClinVar aggregate classification (germline): Uncertain significance (1 of 4 stars; one submission).

Conditions:
Ehlers-Danlos syndrome, classic type, 1 (EDSCL1). Also called: EHLERS-DANLOS SYNDROME, GRAVIS TYPE; EHLERS-DANLOS SYNDROME, SEVERE CLASSIC TYPE; EDS I; Ehlers-Danlos Syndrome, Classic Type, COL5A1-Related; Ehlers-Danlos syndrome, type 1. Identifiers: MedGen C0268335, MONDO:0019567, OMIM 130000.

Submission:

Labcorp Genetics (formerly Invitae), Labcorp
Classification: Uncertain significance for Ehlers-Danlos syndrome, classic type, 1. Last evaluated: 2020-05-15. Review status: criteria provided, single submitter. Criteria: Invitae Variant Classification Sherloc (09022015). Collection method: clinical testing. Allele origin: germline.
Comment: In summary, the available evidence is currently insufficient to determine the role of this variant in disease. Therefore, it has been classified as a Variant of Uncertain Significance. Algorithms developed to predict the effect of sequence changes on RNA splicing suggest that this variant may disrupt the consensus splice site, but this prediction has not been confirmed by published transcriptional studies. This variant has not been reported in the literature in individuals with COL5A2-related conditions. This variant is not present in population databases (ExAC no frequency). This sequence change replaces glycine with arginine at codon 978 of the COL5A2 protein (p.Gly978Arg). The glycine residue is highly conserved and there is a moderate physicochemical difference between glycine and arginine.

NM_000393.5(COL5A2):c.2932G>C (p.Gly978Arg)

Gene: COL5A2 (collagen type V alpha 2 chain; minus strand). Cytogenetic location: 2q32.2.
Variant type: single nucleotide variant.
Coding change: c.2932G>C on transcript NM_000393.5 (MANE Select); coding-DNA position 2932, G replaced by C.
Protein change: p.Gly978Arg; replaces glycine 978 with arginine.
Molecular consequence: missense variant.
Genome position (GRCh38, 1-based): chr2:189,050,676, C>G on the plus strand (G>C on the coding strand, the complement: COL5A2 is on the minus strand). VCF-style: chr2-189050676-C-G. GRCh37 (hg19) VCF-style: chr2-189915402-C-G.
Other names: short protein forms G978R.
Identifiers: ClinVar variation 1063982 (VCV001063982.10), dbSNP rs2153508067, ClinGen allele CA349867236.